The following is an entry in ClinVar:

NM_198525.3(KIF7):c.3778C>T (p.Arg1260Cys)

Gene: KIF7 (kinesin family member 7; minus strand). Cytogenetic location: 15q26.1.
Variant type: single nucleotide variant.
Coding change: c.3778C>T on transcript NM_198525.3 (MANE Select); coding-DNA position 3778, C replaced by T.
Protein change: p.Arg1260Cys; replaces arginine 1260 with cysteine.
Molecular consequence: missense variant.
Genome position (GRCh38, 1-based): chr15:89,628,673, G>A on the plus strand (C>T on the coding strand, the complement: KIF7 is on the minus strand). VCF-style: chr15-89628673-G-A. GRCh37 (hg19) VCF-style: chr15-90171904-G-A.
Other names: short protein forms R1260C.
Identifiers: ClinVar variation 2062218 (VCV002062218.2), dbSNP rs140562404, ClinGen allele CA7727537.

ClinVar aggregate classification (germline): Uncertain significance. Review status: criteria provided, multiple submitters, no conflicts (2 of 4 stars). 2 submissions from 2 submitters: Uncertain significance (2). Last evaluated 2024-03-05.

Conditions:
Acrocallosal syndrome (ACLS). Also called: HALLUX DUPLICATION, POSTAXIAL POLYDACTYLY, AND ABSENCE OF CORPUS CALLOSUM; Schinzel syndrome 1; Absence of corpus callosum with unusual facial appearance, mental deficiency, duplication of the halluces and polydactyly. Identifiers: Orphanet 36, MedGen C0796147, MONDO:0008708, OMIM 200990.
Multiple epiphyseal dysplasia, Al-Gazali type. Also called: Macrocephaly with multiple epiphyseal dysplasia and distinctive facies. Identifiers: Orphanet 166024, MedGen C1846722, MONDO:0011778, OMIM 607131.
Hydrolethalus syndrome 2 (HLS2). Identifiers: Orphanet 2189, MedGen C3279899, MONDO:0013585, OMIM 614120.

Allele frequency attached by ClinVar (database versions not stated): TOPMed 0.00003; ExAC 0.00005; gnomAD 0.00005; gnomAD exomes 0.00006; ESP Exome Variant Server 0.00008.
gnomAD v4.1: 90 of 1,612,832 alleles (0.0056%); highest among the groups gnomAD compares: Non-Finnish European, 0.007%; no homozygotes.

Submissions (2):

Fulgent Genetics
Classification: Uncertain significance for Acrocallosal syndrome; Multiple epiphyseal dysplasia, Al-Gazali type; Hydrolethalus syndrome 2. Last evaluated: 2024-03-05. Review status: criteria provided, single submitter. Criteria: ACMG Guidelines, 2015. Collection method: clinical testing. Allele origin: germline.

Labcorp Genetics (formerly Invitae), Labcorp
Classification: Uncertain significance for Acrocallosal syndrome. Last evaluated: 2022-05-30. Review status: criteria provided, single submitter. Criteria: Invitae Variant Classification Sherloc (09022015). Collection method: clinical testing. Allele origin: germline.
Comment: This sequence change replaces arginine, which is basic and polar, with cysteine, which is neutral and slightly polar, at codon 1260 of the KIF7 protein (p.Arg1260Cys). This variant is present in population databases (rs140562404, gnomAD 0.006%). This variant has not been reported in the literature in individuals affected with KIF7-related conditions. Algorithms developed to predict the effect of missense changes on protein structure and function output the following: SIFT: "Deleterious"; PolyPhen-2: "Benign"; Align-GVGD: "Class C0". The cysteine amino acid residue is found in multiple mammalian species, which suggests that this missense change does not adversely affect protein function. In summary, the available evidence is currently insufficient to determine the role of this variant in disease. Therefore, it has been classified as a Variant of Uncertain Significance.